The following is an entry in ClinVar:

ClinVar aggregate classification (germline): Uncertain significance. Review status: criteria provided, multiple submitters, no conflicts (2 of 4 stars). 2 submissions from 2 submitters: Uncertain significance (2). Last evaluated 2024-09-25.

Conditions:
Primary ciliary dyskinesia 23 (CILD23). Also called: CILIARY DYSKINESIA, PRIMARY, 23, WITH OR WITHOUT SITUS INVERSUS. Identifiers: Orphanet 244, MedGen C3809548, MONDO:0014193, OMIM 615451.
Primary ciliary dyskinesia. Also called: Ciliary dyskinesia. Identifiers: Orphanet 244, MedGen C0008780, MONDO:0016575, HP:0012265.

Allele frequency attached by ClinVar (database versions not stated): gnomAD 0.00001.
gnomAD v4.1: 20 of 1,613,760 alleles (0.0012%); highest among the groups gnomAD compares: Non-Finnish European, 0.0016%; no homozygotes.

Submissions (2):

Ambry Genetics
Classification: Uncertain significance for Primary ciliary dyskinesia. Last evaluated: 2024-09-25. Review status: criteria provided, single submitter. Criteria: Ambry Variant Classification Scheme 2023. Collection method: clinical testing. Allele origin: germline.

Labcorp Genetics (formerly Invitae), Labcorp
Classification: Uncertain significance for Primary ciliary dyskinesia 23. Last evaluated: 2022-02-24. Review status: criteria provided, single submitter. Criteria: Invitae Variant Classification Sherloc (09022015). Collection method: clinical testing. Allele origin: germline.
Comment: In summary, the available evidence is currently insufficient to determine the role of this variant in disease. Therefore, it has been classified as a Variant of Uncertain Significance. Algorithms developed to predict the effect of sequence changes on RNA splicing suggest that this variant may create or strengthen a splice site. Algorithms developed to predict the effect of missense changes on protein structure and function are either unavailable or do not agree on the potential impact of this missense change (SIFT: "Tolerated"; PolyPhen-2: "Possibly Damaging"; Align-GVGD: "Class C0"). ClinVar contains an entry for this variant (Variation ID: 843270). This variant has not been reported in the literature in individuals affected with ARMC4-related conditions. The frequency data for this variant in the population databases is considered unreliable, as metrics indicate poor data quality at this position in the gnomAD database. This sequence change replaces alanine, which is neutral and non-polar, with threonine, which is neutral and polar, at codon 1005 of the ARMC4 protein (p.Ala1005Thr).

NM_018076.5(ODAD2):c.3013G>A (p.Ala1005Thr)

Gene: ODAD2 (outer dynein arm docking complex subunit 2; minus strand). Cytogenetic location: 10p12.1.
Variant type: single nucleotide variant.
Coding change: c.3013G>A on transcript NM_018076.5 (MANE Select); coding-DNA position 3013, G replaced by A.
Protein change: p.Ala1005Thr; replaces alanine 1005 with threonine.
Molecular consequence: missense variant.
Genome position (GRCh38, 1-based): chr10:27,860,633, C>T on the plus strand (G>A on the coding strand, the complement: ODAD2 is on the minus strand). VCF-style: chr10-27860633-C-T. GRCh37 (hg19) VCF-style: chr10-28149562-C-T.
Other names: c.3013G>A, p.Ala1005Thr (NM_001290020.2); c.1588G>A, p.Ala530Thr (NM_001290021.2); c.2089G>A, p.Ala697Thr (NM_001312689.2); short protein forms A1005T, A530T, A697T.
Identifiers: ClinVar variation 843270 (VCV000843270.10), dbSNP rs1167723751, ClinGen allele CA376491929.